The following is an entry in ClinVar:

ClinVar aggregate classification (germline): Benign (1 of 4 stars; one submission).

Submission:

GeneDx
Classification: Benign. Last evaluated: 2018-06-16. Review status: criteria provided, single submitter. Criteria: GeneDx Variant Classification (06012015). Collection method: clinical testing. Allele origin: germline. Affected: yes.
Comment: This variant is considered likely benign or benign based on one or more of the following criteria: it is a conservative change, it occurs at a poorly conserved position in the protein, it is predicted to be benign by multiple in silico algorithms, and/or has population frequency not consistent with disease.

NM_002887.4(RARS1):c.953-272_953-271insTAT

Gene: RARS1 (arginyl-tRNA synthetase 1; plus strand). Cytogenetic location: 5q34.
Variant type: Insertion.
Coding change: c.953-272_953-271insTAT on transcript NM_002887.4 (MANE Select); 272 bases into the intron before coding-DNA position 953 through 271 bases into the intron before coding-DNA position 953, TAT inserted.
Molecular consequence: intron variant.
Genome position: GRCh38 VCF-style: chr5-168501727-A-AATT. GRCh37 (hg19) VCF-style: chr5-167928732-A-AATT.
Identifiers: ClinVar variation 673398 (VCV000673398.1), dbSNP rs61525394, ClinGen allele CA131939905.
Genomic context (GRCh38, chr5:168,501,727, plus strand): 5'-GAGCTGAGATCACGCCACTGTACTCCAGCCTGGCTGACAGAGCGAGACTCCATCTCAAAA[A>AATT]ATAATAATAAAAAGAAAGTAAACGTAGACAGGAGAAAAATAAAATTATCTATAGTCCCAC-3'